The following is an entry in ClinVar:

ClinVar aggregate classification (germline): Benign/Likely benign. Review status: criteria provided, multiple submitters, no conflicts (2 of 4 stars). 9 submissions from 9 submitters: Benign (3); Likely benign (5). 1 of the submissions does not count toward it. Last evaluated 2026-01-31.

Conditions:
Hereditary cancer-predisposing syndrome. Also called: Tumor predisposition; Hereditary Cancer Syndrome; Hereditary neoplastic syndrome; Neoplastic Syndromes, Hereditary. Identifiers: Orphanet 140162, MedGen C0027672, MeSH D009386, MONDO:0015356.
Tuberous sclerosis syndrome (TSC). Also called: Tuberous Sclerosis Complex; Tuberous sclerosis. Identifiers: Orphanet 805, MedGen C0041341, MONDO:0001734.
Tuberous sclerosis 1 (TSC1). Identifiers: Orphanet 805, MedGen C1854465, MONDO:0008612, OMIM 191100.

Allele frequency attached by ClinVar (database versions not stated): gnomAD 0.00022; TOPMed 0.00022; ESP Exome Variant Server 0.00023.

Submissions (9):

Labcorp Genetics (formerly Invitae), Labcorp
Classification: Benign for Tuberous sclerosis 1. Last evaluated: 2026-01-31. Review status: criteria provided, single submitter. Criteria: Invitae Variant Classification Sherloc (09022015). Collection method: clinical testing. Allele origin: germline.

Myriad Genetics, Inc.
Classification: Likely benign for Tuberous sclerosis 1. Last evaluated: 2024-08-07. Review status: criteria provided, single submitter. Criteria: Myriad Autosomal Dominant, Autosomal Recessive and X-Linked Classification Criteria (2023). Collection method: clinical testing. Allele origin: unknown.
Comment: This variant is considered likely benign. This variant has been observed at a population frequency that is significantly greater than expected given the associated disease prevalence and penetrance.

Women's Health and Genetics/Laboratory Corporation of America, LabCorp
Classification: Likely benign. Last evaluated: 2022-06-23. Review status: criteria provided, single submitter. Criteria: LabCorp Variant Classification Summary - May 2015. Collection method: clinical testing. Allele origin: germline.
Comment: Variant summary: TSC1 c.1006C>T (p.Arg336Trp) results in a non-conservative amino acid change in the encoded protein sequence. Three of five in-silico tools predict a benign effect of the variant on protein function. The variant allele was found at a frequency of 5.6e-05 in 251328 control chromosomes (gnomAD). The observed variant frequency is approximately 3-fold of the estimated maximal expected allele frequency for a pathogenic variant in TSC1 causing Tuberous Sclerosis Complex phenotype (2.5e-05), strongly suggesting that the variant is benign. To our knowledge, no occurrence of c.1006C>T in individuals affected with Tuberous Sclerosis Complex and no experimental evidence demonstrating its impact on protein function have been reported. Four clinical diagnostic laboratories have submitted clinical-significance assessments for this variant to ClinVar after 2014 without evidence for independent evaluation. Two laboratories classified the variant as benign and two as likely benign. Based on the evidence outlined above, the variant was classified as likely benign.

Color Diagnostics, LLC DBA Color Health
Classification: Likely benign for Tuberous sclerosis syndrome. Last evaluated: 2022-05-26. Review status: criteria provided, single submitter. Criteria: ACMG Guidelines, 2015. Collection method: clinical testing. Allele origin: germline.

Genome-Nilou Lab
Classification: Benign for Tuberous sclerosis 1. Last evaluated: 2021-11-07. Review status: criteria provided, single submitter. Criteria: ACMG Guidelines, 2015. Collection method: clinical testing. Allele origin: germline. Affected: no.

Sema4
Classification: Benign for Hereditary cancer-predisposing syndrome. Last evaluated: 2021-06-24. Review status: criteria provided, single submitter. Criteria: Sema4 Curation Guidelines. Collection method: curation. Allele origin: germline.

GeneDx
Classification: Likely benign. Last evaluated: 2020-10-19. Review status: criteria provided, single submitter. Criteria: GeneDx Variant Classification Process June 2021. Collection method: clinical testing. Allele origin: germline. Affected: yes.
Comment: This variant is associated with the following publications: (PMID: 23514105, 22558107)

Ambry Genetics
Classification: Likely benign for Hereditary cancer-predisposing syndrome. Last evaluated: 2018-10-19. Review status: criteria provided, single submitter. Criteria: Ambry Variant Classification Scheme 2023. Collection method: clinical testing. Allele origin: germline.

Tuberous sclerosis database (TSC1)
No classification provided. Condition: TSC. Review status: no classification provided. Criteria: Tuberous Sclerosis Database Assertion Criteria 2015. Collection method: curation. Allele origin: germline. Affected: yes. Not counted in ClinVar's aggregate classification.

NM_000368.5(TSC1):c.1006C>T (p.Arg336Trp)

Gene: TSC1 (TSC complex subunit 1; minus strand). Cytogenetic location: 9q34.13.
Variant type: single nucleotide variant.
Coding change: c.1006C>T on transcript NM_000368.5 (MANE Select); coding-DNA position 1006, C replaced by T.
Protein change: p.Arg336Trp; replaces arginine 336 with tryptophan.
Molecular consequence: missense variant.
Genome position (GRCh38, 1-based): chr9:132,911,476, G>A on the plus strand (C>T on the coding strand, the complement: TSC1 is on the minus strand). VCF-style: chr9-132911476-G-A. GRCh37 (hg19) VCF-style: chr9-135786863-G-A.
Other names: p.R336W:CGG>TGG; c.1006C>T, p.Arg336Trp (NM_001162426.2); c.853C>T, p.Arg285Trp (NM_001162427.2); c.643C>T, p.Arg215Trp (NM_001362177.2); short protein forms R336W, R285W, R215W.
Identifiers: ClinVar variation 48727 (VCV000048727.21), dbSNP rs118203483, ClinGen allele CA004282.